The following is an entry in ClinVar:

NC_000016.10:g.10876810A>G

Gene: CIITA (class II major histocompatibility complex transactivator; plus strand). Cytogenetic location: 16p13.13.
Variant type: single nucleotide variant.
Genome position: GRCh38 VCF-style: chr16-10876810-A-G. GRCh37 (hg19) VCF-style: chr16-10970667-A-G.
Identifiers: ClinVar variation 102954 (VCV000102954.2), dbSNP rs199476056, ClinGen allele CA229917.
Genomic context (GRCh38, chr16:10,876,810, plus strand): 5'-GAGAAATTCAGGGCAATTTGGTGTGGGAGTAGGCATGGTAGAGGAGAGCAGCATCTAAGA[A>G]GTCCCCAGCAGAGGCTCTCAGCTTGTCTTGAGGCATCTGGGCGGAGGGCTATGATACTGG-3'

ClinVar aggregate classification (germline): not provided (0 of 4 stars; one submission).

Allele frequency attached by ClinVar (database versions not stated): 1000 Genomes Project 30x 0.00016; gnomAD 0.00020; TOPMed 0.00020.
gnomAD v4.1: 30 of 152,352 alleles (0.02%); highest among the groups gnomAD compares: Non-Finnish European, 0.041%; no homozygotes.

Submission:

Human Evolutionary Genetics, Institut Pasteur
No classification provided. Review status: no classification provided. Collection method: not provided. Allele origin: germline.
ClinVar note: Converted during submission from untested to not provided.